The following is an entry in ClinVar:

ClinVar aggregate classification (germline): Uncertain significance (1 of 4 stars; one submission).

Conditions:
Dyskeratosis congenita, autosomal dominant 1 (DKCA1). Also called: Dyskeratosis congenita Scoggins type. Identifiers: Orphanet 1775, MedGen C4551974, MONDO:0007485, OMIM 127550. Inheritance: Variable.

Submission:

Labcorp Genetics (formerly Invitae), Labcorp
Classification: Uncertain significance for Dyskeratosis congenita, autosomal dominant 1. Last evaluated: 2023-08-17. Review status: criteria provided, single submitter. Criteria: Invitae Variant Classification Sherloc (09022015). Collection method: clinical testing. Allele origin: germline.
Comment: This variant is located within the template/pseudoknot domain of the TERC RNA component, which is required for RNA or RNP stability (PMID: 15082312, 21844345). ClinVar contains an entry for this variant (Variation ID: 1463672). This variant has not been reported in the literature in individuals affected with TERC-related conditions. This variant is not present in population databases (gnomAD no frequency). This variant occurs in the TERC gene, which encodes an RNA molecule that does not result in a protein product. This variant is located in a region of TERC in which a significant number of disease causing variants have been reported (PMID: 15082312, 21844345, 21931702). These observations suggest that this may be a clinically significant region. In summary, the available evidence is currently insufficient to determine the role of this variant in disease. Therefore, it has been classified as a Variant of Uncertain Significance.

Literature cited by the submitters: PubMed 15082312; PubMed 21844345; PubMed 21931702.

NC_000003.12:g.169764908C>A

Genes: TERC (telomerase RNA component; minus strand), LOC110806306 (telomerase RNA component (TERC) promoter; plus strand). Cytogenetic location: 3q26.2.
Variant type: single nucleotide variant.
Genome position: GRCh38 VCF-style: chr3-169764908-C-A. GRCh37 (hg19) VCF-style: chr3-169482696-C-A.
Identifiers: ClinVar variation 1463672 (VCV001463672.8), dbSNP rs1211790833, ClinGen allele CA436715613.